The following is an entry in ClinVar:

ClinVar aggregate classification (germline): Likely pathogenic. Review status: criteria provided, multiple submitters, no conflicts (2 of 4 stars). 2 submissions from 2 submitters: Likely pathogenic (2). Last evaluated 2024-05-14.

Conditions:
Telangiectasia, hereditary hemorrhagic, type 2 (HHT2). Also called: Telangiectasia, hereditary hemorrhagic, type II; ACVRL1-Related Hereditary Hemorrhagic Telangiectasia. Identifiers: Orphanet 774, MedGen C1838163, MONDO:0010880, OMIM 600376. Disease mechanism: loss of function.

Submissions (2):

ARUP Laboratories, Molecular Genetics and Genomics, ARUP Laboratories
Classification: Likely pathogenic for Telangiectasia, hereditary hemorrhagic, type 2. Last evaluated: 2024-05-14. Review status: criteria provided, single submitter. Criteria: ARUP Molecular Germline Variant Investigation Process 2024. Collection method: clinical testing. Allele origin: germline.
Comment: The ACVRL1 c.151T>A; p.Cys51Ser variant, to our knowledge, is not reported in the medical literature but is reported in ClinVar (Variation ID: 2132509). This variant is absent from the Genome Aggregation Database (v2.1.1), indicating it is not a common polymorphism. Computational analyses predict that this variant is deleterious (REVEL: 0.905). This variant is located in the ACVRL1 ectodomain and substitutions affecting cystine residues are overrepresented in patients with HHT (Scotti 2011). A different variant at this codon (p.Cys51Tyr) is reported in multiple individuals affected with HHT (Canzonieri 2014, Klaus 1998, McDonald 2020, Olivieri 2002 & 2007), and shows deficiency in ligand binding and impaired signaling (Ricard 2010, Scotti 2011). Based on available information, the p.Cys51Ser variant is considered to be likely pathogenic. References: Canzonieri C et al. Endoscopic evaluation of gastrointestinal tract in patients with hereditary hemorrhagic telangiectasia and correlation with their genotypes. Genet Med. 2014 Jan;16(1):3-10. PMID: 23722869. Klaus DJ et al. Novel missense and frameshift mutations in the activin receptor-like kinase-1 gene in hereditary hemorrhagic telangiectasia. Mutations in brief no. 164. Online. Hum Mutat. 1998;12(2):137. PMID: 10694922. McDonald J et al. CuraÃ§ao diagnostic criteria for hereditary hemorrhagic telangiectasia is highly predictive of a pathogenic variant in ENG or ACVRL1 (HHT1 and HHT2). Genet Med. 2020 Jul;22(7):1201-1205. PMID: 32300199. Olivieri C et al. Identification of 13 new mutations in the ACVRL1 gene in a group of 52 unselected Italian patients affected by hereditary haemorrhagic telangiectasia. J Med Genet. 2002 Jul;39(7):E39. PMID: 12114496. Olivieri C et al. Analysis of ENG and ACVRL1 genes in 137 HHT Italian families identifies 76 different mutations (24 novel). Comparison with other European studies. J Hum Genet. 2007;52(10):820-829. PMID: 17786384. Ricard N et al. Functional analysis of the BMP9 response of ALK1 mutants from HHT2 patients: a diagnostic tool for novel ACVRL1 mutations. Blood. 2010 Sep 2;116(9):1604-12. PMID: 20501893. Scotti C et al. Bioinformatic analysis of pathogenic missense mutations of activin receptor like kinase 1 ectodomain. PLoS One. 2011;6(10):e26431. PMID: 22028876.

Labcorp Genetics (formerly Invitae), Labcorp
Classification: Likely pathogenic for Telangiectasia, hereditary hemorrhagic, type 2. Last evaluated: 2022-05-01. Review status: criteria provided, single submitter. Criteria: Invitae Variant Classification Sherloc (09022015). Collection method: clinical testing. Allele origin: germline.
Comment: This variant affects a cysteine residue located within the ACVRL1 protein ectodomain. Cysteine residues in this domain of ACVRL1 are involved in the formation of disulfide bridges critical for protein structure and stability (PMID: 22028876, 22718755, 22799562). In addition, missense substitutions within the ACVRL1 ectodomain affecting cysteine residues are overrepresented in patients with HHT (PMID: 20501893, 26176610 and an online resource). In summary, the currently available evidence indicates that the variant is pathogenic, but additional data are needed to prove that conclusively. Therefore, this variant has been classified as Likely Pathogenic. This variant disrupts the p.Cys51 amino acid residue in ACVRL1. Other variant(s) that disrupt this residue have been determined to be pathogenic (PMID: 10694922, 16429404, 23722869; Invitae). This suggests that this residue is clinically significant, and that variants that disrupt this residue are likely to be disease-causing. Advanced modeling of protein sequence and biophysical properties (such as structural, functional, and spatial information, amino acid conservation, physicochemical variation, residue mobility, and thermodynamic stability) performed at Invitae indicates that this missense variant is expected to disrupt ACVRL1 protein function. This variant has not been reported in the literature in individuals affected with ACVRL1-related conditions. This variant is not present in population databases (gnomAD no frequency). This sequence change replaces cysteine, which is neutral and slightly polar, with serine, which is neutral and polar, at codon 51 of the ACVRL1 protein (p.Cys51Ser).

Literature cited by the submitters: PubMed 22028876 (cited by Labcorp Genetics (formerly Invitae), Labcorp); PubMed 22718755 (cited by Labcorp Genetics (formerly Invitae), Labcorp); PubMed 22799562 (cited by Labcorp Genetics (formerly Invitae), Labcorp); PubMed 20501893 (cited by Labcorp Genetics (formerly Invitae), Labcorp); PubMed 26176610 (cited by Labcorp Genetics (formerly Invitae), Labcorp); PubMed 10694922 (cited by Labcorp Genetics (formerly Invitae), Labcorp); PubMed 16429404 (cited by Labcorp Genetics (formerly Invitae), Labcorp); PubMed 23722869 (cited by Labcorp Genetics (formerly Invitae), Labcorp).

NM_000020.3(ACVRL1):c.151T>A (p.Cys51Ser)

Gene: ACVRL1 (activin A receptor like type 1; plus strand). Cytogenetic location: 12q13.13.
Variant type: single nucleotide variant.
Coding change: c.151T>A on transcript NM_000020.3 (MANE Select); coding-DNA position 151, T replaced by A.
Protein change: p.Cys51Ser; replaces cysteine 51 with serine.
Molecular consequence: missense variant.
Genome position (GRCh38, 1-based): chr12:51,913,188, T>A. VCF-style: chr12-51913188-T-A. GRCh37 (hg19) VCF-style: chr12-52306972-T-A.
Other names: c.151T>A, p.Cys51Ser (NM_001077401.2, NM_001406487.1, NM_001406488.1 and 6 more transcripts); short protein forms C51S.
Identifiers: ClinVar variation 2132509 (VCV002132509.5), dbSNP rs2139064874, ClinGen allele CA384897713.